The following is an entry in ClinVar:

NM_020949.3(SLC7A14):c.1508C>T (p.Thr503Ile)

Genes: SLC7A14 (solute carrier family 7 member 14; minus strand), SLC7A14-AS1 (SLC7A14 antisense RNA 1; plus strand). Cytogenetic location: 3q26.2.
Variant type: single nucleotide variant.
Coding change: c.1508C>T on transcript NM_020949.3 (MANE Select); coding-DNA position 1508, C replaced by T.
Protein change: p.Thr503Ile; replaces threonine 503 with isoleucine.
Molecular consequence: missense variant.
Genome position (GRCh38, 1-based): chr3:170,480,774, G>A on the plus strand (C>T on the coding strand, the complement: SLC7A14 is on the minus strand). VCF-style: chr3-170480774-G-A. GRCh37 (hg19) VCF-style: chr3-170198563-G-A.
Other names: c.1508C>T (NM_020949.2); short protein forms T503I.
Identifiers: ClinVar variation 1499497 (VCV001499497.10), dbSNP rs1361264697, ClinGen allele CA355490100.

ClinVar aggregate classification (germline): Uncertain significance. Review status: criteria provided, multiple submitters, no conflicts (2 of 4 stars). 3 submissions from 3 submitters: Uncertain significance (3). Last evaluated 2025-08-09.

Submissions (3):

Ambry Genetics
Classification: Uncertain significance. Last evaluated: 2025-08-09. Review status: criteria provided, single submitter. Criteria: Ambry Variant Classification Scheme 2023. Collection method: clinical testing. Allele origin: germline.

Labcorp Genetics (formerly Invitae), Labcorp
Classification: Uncertain significance. Last evaluated: 2025-02-20. Review status: criteria provided, single submitter. Criteria: Invitae Variant Classification Sherloc (09022015). Collection method: clinical testing. Allele origin: germline.
Comment: This sequence change replaces threonine, which is neutral and polar, with isoleucine, which is neutral and non-polar, at codon 503 of the SLC7A14 protein (p.Thr503Ile). This variant is present in population databases (no rsID available, gnomAD 0.007%). This variant has not been reported in the literature in individuals affected with SLC7A14-related conditions. ClinVar contains an entry for this variant (Variation ID: 1499497). An algorithm developed to predict the effect of missense changes on protein structure and function (PolyPhen-2) suggests that this variant is likely to be tolerated. In summary, the available evidence is currently insufficient to determine the role of this variant in disease. Therefore, it has been classified as a Variant of Uncertain Significance.

Blueprint Genetics
Classification: Uncertain significance. Last evaluated: 2022-12-01. Review status: criteria provided, single submitter. Criteria: ACMG Guidelines, 2015. Collection method: clinical testing. Allele origin: germline.